The following is an entry in ClinVar:

ClinVar aggregate classification (germline): Uncertain significance (1 of 4 stars; one submission).

Conditions:
Hereditary spastic paraplegia 11. Also called: Spastic paraplegia, mental retardation and thin corpus callosum; SPASTIC PARAPLEGIA, AUTOSOMAL RECESSIVE, COMPLICATED, WITH THIN CORPUS CALLOSUM; SPASTIC PARAPLEGIA, AUTOSOMAL RECESSIVE, WITH MENTAL IMPAIRMENT AND THIN CORPUS CALLOSUM; Nakamura Osame syndrome; Autosomal recessive hereditary spastic paraplegia, mental impairment, and thin corpus callosum; Spastic Paraplegia 11. Identifiers: Orphanet 2822, MedGen C1858479, MONDO:0011445, OMIM 604360.

Allele frequency attached by ClinVar (database versions not stated): TOPMed below 0.00001.

Submission:

Labcorp Genetics (formerly Invitae), Labcorp
Classification: Uncertain significance for Hereditary spastic paraplegia 11. Last evaluated: 2025-10-27. Review status: criteria provided, single submitter. Criteria: Invitae Variant Classification Sherloc (09022015). Collection method: clinical testing. Allele origin: germline.
Comment: This sequence change replaces methionine, which is neutral and non-polar, with isoleucine, which is neutral and non-polar, at codon 460 of the SPG11 protein (p.Met460Ile). This variant is not present in population databases (gnomAD no frequency). This variant has not been reported in the literature in individuals affected with SPG11-related conditions. ClinVar contains an entry for this variant (Variation ID: 569673). Invitae Evidence Modeling of protein sequence and biophysical properties (such as structural, functional, and spatial information, amino acid conservation, physicochemical variation, residue mobility, and thermodynamic stability) indicates that this missense variant is not expected to disrupt SPG11 protein function with a negative predictive value of 80%. In summary, the available evidence is currently insufficient to determine the role of this variant in disease. Therefore, it has been classified as a Variant of Uncertain Significance.

NM_025137.4(SPG11):c.1380G>A (p.Met460Ile)

Gene: SPG11 (SPG11 vesicle trafficking associated, spatacsin; minus strand). Cytogenetic location: 15q21.1.
Variant type: single nucleotide variant.
Coding change: c.1380G>A on transcript NM_025137.4 (MANE Select); coding-DNA position 1380, G replaced by A.
Protein change: p.Met460Ile; replaces methionine 460 with isoleucine.
Molecular consequence: missense variant.
Genome position (GRCh38, 1-based): chr15:44,651,567, C>T on the plus strand (G>A on the coding strand, the complement: SPG11 is on the minus strand). VCF-style: chr15-44651567-C-T. GRCh37 (hg19) VCF-style: chr15-44943765-C-T.
Other names: c.1380G>A, p.Met460Ile (NM_001160227.2); short protein forms M460I.
Identifiers: ClinVar variation 569673 (VCV000569673.10), dbSNP rs1296643524, ClinGen allele CA392235966.